The following is an entry in ClinVar:

NM_007294.4(BRCA1):c.1354G>A (p.Val452Ile)

Gene: BRCA1 (BRCA1 DNA repair associated; minus strand). Cytogenetic location: 17q21.31.
Variant type: single nucleotide variant.
Coding change: c.1354G>A on transcript NM_007294.4 (MANE Select); coding-DNA position 1354, G replaced by A.
Protein change: p.Val452Ile; replaces valine 452 with isoleucine.
Molecular consequence: missense variant. On other transcripts: intron variant (137).
Genome position (GRCh38, 1-based): chr17:43,094,177, C>T on the plus strand (G>A on the coding strand, the complement: BRCA1 is on the minus strand). VCF-style: chr17-43094177-C-T. GRCh37 (hg19) VCF-style: chr17-41246194-C-T.
Other names: c.1141G>A, p.Val381Ile (NM_001407571.1, NM_001407853.1, NM_001407894.1 and 9 more transcripts); c.1354G>A, p.Val452Ile (NM_001407581.1, NM_001407582.1, NM_001407583.1 and 30 more transcripts); c.1351G>A, p.Val451Ile (NM_001407587.1, NM_001407590.1, NM_001407591.1 and 22 more transcripts); c.1345G>A, p.Val449Ile (NM_001407646.1, NM_001407647.1); c.1231G>A, p.Val411Ile (NM_001407648.1, NM_001407664.1, NM_001407665.1 and 19 more transcripts); c.1228G>A, p.Val410Ile (NM_001407649.1, NM_001407670.1, NM_001407671.1 and 11 more transcripts); c.1276G>A, p.Val426Ile (NM_001407653.1, NM_001407654.1, NM_001407655.1 and 4 more transcripts); c.1273G>A, p.Val425Ile (NM_001407659.1, NM_001407660.1, NM_001407661.1 and 1 more transcripts); and 40 more; short protein forms V405I, V452I, V325I, V341I, V381I, V385I, V156I, V324I.
Identifiers: ClinVar variation 1410648 (VCV001410648.9), dbSNP rs2154455068, ClinGen allele CA10599343.

ClinVar aggregate classification (germline): Conflicting classifications of pathogenicity. Review status: criteria provided, conflicting classifications (1 of 4 stars). 2 submissions from 2 submitters: Uncertain significance (1); Likely benign (1). Last evaluated 2023-03-23.

Conditions:
Hereditary cancer-predisposing syndrome. Also called: Hereditary Cancer Syndrome; Tumor predisposition; Hereditary neoplastic syndrome; Neoplastic Syndromes, Hereditary. Identifiers: Orphanet 140162, MedGen C0027672, MeSH D009386, MONDO:0015356.
Hereditary breast ovarian cancer syndrome. Also called: Hereditary breast and ovarian cancer syndrome (HBOC); Breast and ovarian cancer; Hereditary breast and ovarian cancer syndrome; Hereditary breast and/or ovarian cancer syndrome; Hereditary breast and ovarian cancer; BRCA1- and BRCA2-Associated Hereditary Breast and Ovarian Cancer. Identifiers: Orphanet 145, MedGen C0677776, MeSH D061325, MONDO:0003582. Disease mechanism: loss of function.

gnomAD v4.1: 1 of 1,614,050 alleles (0.000062%); highest among the groups gnomAD compares: Non-Finnish European, 0.000085%; no homozygotes.

Submissions (2):

University of Washington Department of Laboratory Medicine, University of Washington
Classification: Likely benign for Hereditary cancer-predisposing syndrome. Last evaluated: 2023-03-23. Review status: criteria provided, single submitter. Criteria: Dines et al. (Genet Med. 2020). Collection method: curation. Allele origin: germline.
Comment: Missense variant in a coldspot region where missense variants are very unlikely to be pathogenic (PMID:31911673).

BRCA1 coldspot (exon 11 using historical exon numbering). Reclassification based on statistical prior probability

Labcorp Genetics (formerly Invitae), Labcorp
Classification: Uncertain significance for Hereditary breast ovarian cancer syndrome. Last evaluated: 2021-11-17. Review status: criteria provided, single submitter. Criteria: Invitae Variant Classification Sherloc (09022015). Collection method: clinical testing. Allele origin: germline.
Comment: In summary, the available evidence is currently insufficient to determine the role of this variant in disease. Therefore, it has been classified as a Variant of Uncertain Significance. Advanced modeling of protein sequence and biophysical properties (such as structural, functional, and spatial information, amino acid conservation, physicochemical variation, residue mobility, and thermodynamic stability) performed at Invitae indicates that this missense variant is not expected to disrupt BRCA1 protein function. This variant has not been reported in the literature in individuals affected with BRCA1-related conditions. This variant is not present in population databases (gnomAD no frequency). This sequence change replaces valine, which is neutral and non-polar, with isoleucine, which is neutral and non-polar, at codon 452 of the BRCA1 protein (p.Val452Ile).